The following is an entry in ClinVar:

NM_005340.7(HINT1):c.157del (p.Leu53fs)

Gene: HINT1 (histidine triad nucleotide binding protein 1; minus strand). Cytogenetic location: 5q23.3.
Variant type: Deletion.
Coding change: c.157del on transcript NM_005340.7 (MANE Select); coding-DNA position 157, one base deleted (C; older notation c.157delC).
Protein change: p.Leu53fs; shifts the reading frame from leucine 53.
Molecular consequence: frameshift variant. On other transcripts: non-coding transcript variant (5).
Genome position (GRCh38, 1-based): chr5:131,162,631, G deleted on the plus strand (C on the coding strand, the reverse complement: HINT1 is on the minus strand). VCF-style (leftmost placement, unchanged base first): chr5-131162630-AG-A. GRCh37 (hg19) VCF-style: chr5-130498323-AG-A.
Other names: short protein forms L53fs.
Identifiers: ClinVar variation 1453950 (VCV001453950.6), dbSNP rs1289497047, ClinGen allele CA803875844.

ClinVar aggregate classification (germline): Pathogenic (1 of 4 stars; one submission).

Conditions:
Autosomal recessive axonal neuropathy with neuromyotonia (NMAN). Also called: Gamstorp-Wohlfart syndrome; MYOKYMIA, MYOTONIA, AND MUSCLE WASTING; Neuromyotonia and axonal neuropathy, autosomal recessive. Identifiers: Orphanet 324442, MedGen C5700127, MONDO:0007646, OMIM 137200.

Allele frequency attached by ClinVar (database versions not stated): TOPMed below 0.00001.

Submission:

Labcorp Genetics (formerly Invitae), Labcorp
Classification: Pathogenic for Autosomal recessive axonal neuropathy with neuromyotonia. Last evaluated: 2021-09-20. Review status: criteria provided, single submitter. Criteria: Invitae Variant Classification Sherloc (09022015). Collection method: clinical testing. Allele origin: germline.
Comment: This variant is not present in population databases (ExAC no frequency). This sequence change creates a premature translational stop signal (p.Leu53Trpfs*2) in the HINT1 gene. It is expected to result in an absent or disrupted protein product. Loss-of-function variants in HINT1 are known to be pathogenic (PMID: 22961002, 25342199, 26059562). For these reasons, this variant has been classified as Pathogenic. This variant has not been reported in the literature in individuals affected with HINT1-related conditions.

Literature cited by the submitters: PubMed 22961002; PubMed 25342199; PubMed 26059562.